The following is an entry in ClinVar:

NM_000089.4(COL1A2):c.52T>C (p.Cys18Arg)

Gene: COL1A2 (collagen type I alpha 2 chain; plus strand). Cytogenetic location: 7q21.3.
Variant type: single nucleotide variant.
Coding change: c.52T>C on transcript NM_000089.4 (MANE Select); coding-DNA position 52, T replaced by C.
Protein change: p.Cys18Arg; replaces cysteine 18 with arginine.
Molecular consequence: missense variant.
Genome position (GRCh38, 1-based): chr7:94,395,083, T>C. VCF-style: chr7-94395083-T-C. GRCh37 (hg19) VCF-style: chr7-94024395-T-C.
Other names: p.Cys18Arg; short protein forms C18R.
Identifiers: ClinVar variation 526891 (VCV000526891.25), dbSNP rs200278401, ClinGen allele CA4346410.
Genomic context (GRCh38, chr7:94,395,083, plus strand): 5'-GTGCTAGACATGCTCAGCTTTGTGGATACGCGGACTTTGTTGCTGCTTGCAGTAACCTTA[T>C]GCCTAGCAACATGCCAATGTAAGTGCCTTCAGCTTGTTTGGGGGAGACTGGGTAGAGAGG-3'
Protein context (NP_000080.2, residues 8-28): RTLLLLAVTL[Cys18Arg]LATCQSLQEE

ClinVar aggregate classification (germline): Uncertain significance. Review status: criteria provided, multiple submitters, no conflicts (2 of 4 stars). 8 submissions from 8 submitters: Uncertain significance (8). Last evaluated 2026-01-25.

Conditions:
Osteogenesis imperfecta type I (OI1). Also called: Osteogenesis imperfecta type 1; Lobstein disease; Classic Non-deforming Osteogenesis Imperfecta with Blue Sclerae; Lobstein's Disease; OI, TYPE I; OSTEOGENESIS IMPERFECTA TARDA. Identifiers: Orphanet 216796, Orphanet 666, MedGen C0023931, MONDO:0008146, OMIM 166200. Disease mechanism: loss of function.
Ehlers-Danlos syndrome, classic type, 1 (EDSCL1). Also called: Ehlers-Danlos Syndrome, Classic Type, COL5A1-Related; EDS I; Ehlers-Danlos syndrome, type 1; EHLERS-DANLOS SYNDROME, GRAVIS TYPE; EHLERS-DANLOS SYNDROME, SEVERE CLASSIC TYPE. Identifiers: MedGen C0268335, MONDO:0019567, OMIM 130000.
Cardiovascular phenotype. Identifiers: MedGen CN230736.
Osteogenesis imperfecta, perinatal lethal (OI2). Also called: OSTEOGENESIS IMPERFECTA, TYPE II; VROLIK TYPE OF OSTEOGENESIS IMPERFECTA; Osteogenesis imperfecta type 2; Osteogenesis imperfecta, dominant perinatal lethal; OI, TYPE II; OSTEOGENESIS IMPERFECTA CONGENITA. Identifiers: Orphanet 216804, MedGen C0268358, MONDO:0008147, OMIM 166210.
Osteogenesis imperfecta type III (OI3). Also called: Osteogenesis imperfecta type 3; OI type 3; Osteogenesis imperfecta, progressively deforming with normal sclerae; OI type III; Progressively Deforming Osteogenesis Imperfecta. Identifiers: Orphanet 216812, Orphanet 666, MedGen C0268362, MONDO:0009804, OMIM 259420.
Ehlers-Danlos syndrome, cardiac valvular type. Identifiers: Orphanet 230851, MedGen C4303789, MONDO:0009159, OMIM 225320.
Osteogenesis imperfecta with normal sclerae, dominant form (OI4). Also called: Osteogenesis imperfecta type 4; Osteogenesis Imperfecta Type IV; Common Variable Osteogenesis Imperfecta with Normal Sclerae; OSTEOGENESIS IMPERFECTA, TYPE IV, WITH DENTINOGENESIS IMPERFECTA; OSTEOGENESIS IMPERFECTA WITH NORMAL SCLERAE. Identifiers: Orphanet 216820, Orphanet 666, MedGen C0268363, MONDO:0008148, OMIM 166220.
Postmenopausal osteoporosis. Also called: BONE MINERAL DENSITY QUANTITATIVE TRAIT LOCUS; OSTEOPOROSIS, INVOLUTIONAL. Identifiers: MedGen C0029458, MONDO:0008159.
Ehlers-Danlos syndrome, arthrochalasia type, 2. Also called: EHLERS-DANLOS SYNDROME, TYPE VIIB, AUTOSOMAL DOMINANT. Identifiers: MedGen CN293783, MONDO:0040501, OMIM 617821.

Allele frequency attached by ClinVar (database versions not stated): TOPMed 0.00004; gnomAD 0.00006; ExAC 0.00007; ESP Exome Variant Server 0.00008.
gnomAD v4.1: 86 of 1,613,962 alleles (0.0053%); highest among the groups gnomAD compares: Middle Eastern, 0.049%; no homozygotes.

Submissions (8):

Labcorp Genetics (formerly Invitae), Labcorp
Classification: Uncertain significance for Osteogenesis imperfecta type I; Ehlers-Danlos syndrome, classic type, 1. Last evaluated: 2026-01-25. Review status: criteria provided, single submitter. Criteria: Invitae Variant Classification Sherloc (09022015). Collection method: clinical testing. Allele origin: germline.
Comment: This sequence change replaces cysteine, which is neutral and slightly polar, with arginine, which is basic and polar, at codon 18 of the COL1A2 protein (p.Cys18Arg). This variant is present in population databases (rs200278401, gnomAD 0.009%). This variant has not been reported in the literature in individuals affected with COL1A2-related conditions. ClinVar contains an entry for this variant (Variation ID: 526891). Invitae Evidence Modeling of protein sequence and biophysical properties (such as structural, functional, and spatial information, amino acid conservation, physicochemical variation, residue mobility, and thermodynamic stability) indicates that this missense variant is not expected to disrupt COL1A2 protein function with a negative predictive value of 95%. In summary, the available evidence is currently insufficient to determine the role of this variant in disease. Therefore, it has been classified as a Variant of Uncertain Significance.

Women's Health and Genetics/Laboratory Corporation of America, LabCorp
Classification: Uncertain significance. Last evaluated: 2026-01-16. Review status: criteria provided, single submitter. Criteria: LabCorp Variant Classification Summary - May 2015. Collection method: clinical testing. Allele origin: germline.
Comment: Variant summary: COL1A2 c.52T>C (p.Cys18Arg) results in a non-conservative amino acid change in the encoded protein sequence. Algorithms developed to predict the effect of missense changes on protein structure and function are either unavailable or do not agree on the potential impact of this missense change. The variant allele was found at a frequency of 5.6e-05 in 251322 control chromosomes. This frequency is not significantly higher than estimated for disease-causing variants in COL1A2, allowing no conclusion about variant significance. To our knowledge, no occurrence of c.52T>C in individuals affected with COL1A2-related conditions and no experimental evidence demonstrating its impact on protein function have been reported. ClinVar contains an entry for this variant (Variation ID: 526891). Based on the evidence outlined above, the variant was classified as uncertain significance.

Mayo Clinic Laboratories, Mayo Clinic
Classification: Uncertain significance. Last evaluated: 2025-10-19. Review status: criteria provided, single submitter. Criteria: ACMG Guidelines, 2015. Collection method: clinical testing. Allele origin: germline. Observed: 1 variant allele.
Comment: BS1

CeGaT Center for Human Genetics Tuebingen
Classification: Uncertain significance. Last evaluated: 2025-05-01. Review status: criteria provided, single submitter. Criteria: CeGaT Center For Human Genetics Tuebingen Variant Classification Criteria Version 2. Collection method: clinical testing. Allele origin: germline. Affected: yes. Observed: 1 variant allele.
Comment: COL1A2: PM2

ARUP Laboratories, Molecular Genetics and Genomics, ARUP Laboratories
Classification: Uncertain significance. Last evaluated: 2024-12-31. Review status: criteria provided, single submitter. Criteria: ARUP Molecular Germline Variant Investigation Process 2024. Collection method: clinical testing. Allele origin: germline.
Comment: The COL1A2 c.52T>C; p.Cys18Arg variant (rs200278401), to our knowledge, is not reported in the medical literature but is reported in ClinVar (Variation ID: 526891). This variant is found in the general population with an overall allele frequency of 0.006% (16/282710 alleles) in the Genome Aggregation Database (v2.1.1), but it is considered a low confidence variant in the database. Computational analyses are uncertain whether this variant is neutral or deleterious (REVEL: 0.394). Due to limited information, the clinical significance of this variant is uncertain at this time.

Ambry Genetics
Classification: Uncertain significance for Cardiovascular phenotype. Last evaluated: 2024-09-17. Review status: criteria provided, single submitter. Criteria: Ambry Variant Classification Scheme 2023. Collection method: clinical testing. Allele origin: germline.
Comment: The p.C18R variant (also known as c.52T>C), located in coding exon 1 of the COL1A2 gene, results from a T to C substitution at nucleotide position 52. The cysteine at codon 18 is replaced by arginine, an amino acid with highly dissimilar properties. This amino acid position is not well conserved in available vertebrate species. In addition, this alteration is predicted to be tolerated by in silico analysis. Based on the available evidence, the clinical significance of this variant remains unclear.

GeneDx
Classification: Uncertain significance. Last evaluated: 2021-02-03. Review status: criteria provided, single submitter. Criteria: GeneDx Variant Classification Process June 2021. Collection method: clinical testing. Allele origin: germline. Affected: yes.
Comment: Has not been previously published as pathogenic or benign to our knowledge; In silico analysis supports that this missense variant does not alter protein structure/function; Not located in the triple helical region, where the majority of pathogenic missense variants occur (Stenson et al., 2014); Reported in ClinVar as a variant of uncertain significance (ClinVar Variant ID# 526891; Landrum et al., 2016)

Fulgent Genetics
Classification: Uncertain significance for Osteogenesis imperfecta, perinatal lethal; Osteogenesis imperfecta with normal sclerae, dominant form; Osteoporosis; Ehlers-Danlos syndrome, cardiac valvular type; Osteogenesis imperfecta type III; Ehlers-Danlos syndrome, arthrochalasia type, 2. Last evaluated: 2018-10-31. Review status: criteria provided, single submitter. Criteria: ACMG Guidelines, 2015. Collection method: clinical testing. Allele origin: unknown.